The following is an entry in ClinVar:

ClinVar aggregate classification (germline): Uncertain significance (1 of 4 stars; one submission).

Allele frequency attached by ClinVar (database versions not stated): gnomAD exomes below 0.00001.
gnomAD v4.1: 3 of 1,569,026 alleles (0.00019%); highest among the groups gnomAD compares: South Asian, 0.0033%; no homozygotes.

Submission:

Labcorp Genetics (formerly Invitae), Labcorp
Classification: Uncertain significance. Last evaluated: 2022-04-03. Review status: criteria provided, single submitter. Criteria: Invitae Variant Classification Sherloc (09022015). Collection method: clinical testing. Allele origin: germline.
Comment: In summary, the available evidence is currently insufficient to determine the role of this variant in disease. Therefore, it has been classified as a Variant of Uncertain Significance. Algorithms developed to predict the effect of sequence changes on RNA splicing suggest that this variant may create or strengthen a splice site. This variant has not been reported in the literature in individuals affected with ELP1-related conditions. This variant is not present in population databases (gnomAD no frequency). This sequence change falls in intron 7 of the ELP1 gene. It does not directly change the encoded amino acid sequence of the ELP1 protein.

NM_003640.5(ELP1):c.650-18G>T

Gene: ELP1 (elongator acetyltransferase complex subunit 1; minus strand). Cytogenetic location: 9q31.3.
Variant type: single nucleotide variant.
Coding change: c.650-18G>T on transcript NM_003640.5 (MANE Select); 18 bases into the intron before coding-DNA position 650, G replaced by T.
Molecular consequence: intron variant.
Genome position (GRCh38, 1-based): chr9:108,918,919, C>A on the plus strand (G>T on the coding strand, the complement: ELP1 is on the minus strand). VCF-style: chr9-108918919-C-A. GRCh37 (hg19) VCF-style: chr9-111681199-C-A.
Other names: c.308-18G>T (NM_001318360.2); c.-307-1249G>T (NM_001330749.2).
Identifiers: ClinVar variation 2121043 (VCV002121043.4), dbSNP rs2537942567, ClinGen allele CA2580079515.